The following is an entry in ClinVar:

NM_000116.5(TAFAZZIN):c.646G>A (p.Gly216Arg)

Gene: TAFAZZIN (tafazzin, phospholipid-lysophospholipid transacylase; plus strand). Cytogenetic location: Xq28.
Variant type: single nucleotide variant.
Coding change: c.646G>A on transcript NM_000116.5 (MANE Select); coding-DNA position 646, G replaced by A.
Protein change: p.Gly216Arg; replaces glycine 216 with arginine.
Molecular consequence: missense variant. On other transcripts: non-coding transcript variant (1).
Genome position (GRCh38, 1-based): chrX:154,420,094, G>A. VCF-style: chrX-154420094-G-A. GRCh37 (hg19) VCF-style: chrX-153648433-G-A.
Other names: c.658G>A, p.Gly220Arg (NM_001303465.2); c.556G>A, p.Gly186Arg (NM_181311.4); c.604G>A, p.Gly202Arg (NM_181312.4); c.514G>A, p.Gly172Arg (NM_181313.4); short protein forms G216R, G172R, G186R, G202R, G220R.
Identifiers: ClinVar variation 426783 (VCV000426783.14), dbSNP rs1085307797, ClinGen allele CA415184463.
Genomic context (GRCh38, chrX:154,420,094, plus strand): 5'-ATCGGGCGCCTGATTGCTGAGTGTCATCTCAACCCCATCATCCTGCCCCTGTGGCATGTC[G>A]GTGAGCCTGGGGACGGGGACAGAGAGATGGCATCTGGGGTGGGGGGCCTGGGACTCCCTC-3'
Protein context (NP_000107.1, residues 206-226): NPIILPLWHV[Gly216Arg]MNDVLPNSPP

ClinVar aggregate classification (germline): Pathogenic/Likely pathogenic. Review status: criteria provided, multiple submitters, no conflicts (2 of 4 stars). 7 submissions from 7 submitters: Pathogenic (3); Likely pathogenic (2). 2 of the submissions do not count toward it. Last evaluated 2026-11-03.

Conditions:
3-Methylglutaconic aciduria type 2 (BTHS). Also called: CARDIOSKELETAL MYOPATHY WITH NEUTROPENIA AND ABNORMAL MITOCHONDRIA; Barth syndrome. Identifiers: Orphanet 111, MedGen C0574083, MONDO:0010543, OMIM 302060.

Allele frequency attached by ClinVar (database versions not stated): gnomAD exomes below 0.00001.

Submissions (7):

Clinical Genetics Laboratory, Skane University Hospital Lund
Classification: Likely pathogenic for 3-Methylglutaconic aciduria type 2. Last evaluated: 2026-11-03. Review status: criteria provided, single submitter. Criteria: ACMG Guidelines, 2015. Collection method: clinical testing. Allele origin: germline. Inheritance: X-linked recessive inheritance. Affected: yes.
Comment: The TAFAZZIN variant NM_000116.5.646G>A, p.(Gly216Arg) is a nucleotide substitution in exon 8 of 11, resulting in the replacement of glycine by arginine at amino acid position 216. This substitution is predicted to have a deleterious effect on protein function. The variant has previously been detected at a very low allele frequency in the general population and has been reported in the literature (PMID: 21932011, 23656970, 2488714, among others). The variant has been shown to segregate with disease in affected siblings (PMID: 23656970) and is predominantly classified as pathogenic in ClinVar (accession: VCV000426783.13). The variant has been classified as likely pathogenic based on the following ACMG criteria: PS2_Moderate, PS4_Moderate, PM2, PP1, and PP3.

GeneDx
Classification: Pathogenic. Last evaluated: 2024-11-22. Review status: criteria provided, single submitter. Criteria: GeneDx Variant Classification Process June 2021. Collection method: clinical testing. Allele origin: germline. Affected: yes.
Comment: Not observed at significant frequency in large population cohorts (gnomAD); In silico analysis supports a deleterious effect on splicing; This variant is associated with the following publications: (PMID: 25941633, 24887148, 16880272, 25525159, 9382096, 14764526, 23656970, 23361305, 21932011, 29249525, 29447731, 30369941, 32183154, 32600061, 33049752)

3billion
Classification: Pathogenic for 3-Methylglutaconic aciduria type 2. Last evaluated: 2024-11-14. Review status: criteria provided, single submitter. Criteria: ACMG Guidelines, 2015. Collection method: clinical testing. Allele origin: germline. Affected: yes.
Comment: The variant is observed at an extremely low frequency in the gnomAD v4.1.0 dataset (total allele frequency: <0.001%). Predicted Consequence/Location: Missense variant In silico tool predictions suggest damaging effect of the variant on gene or gene product [REVEL: 0.93 (>=0.6, sensitivity 0.68 and specificity 0.92); 3Cnet: 0.86 (>=0.6, sensitivity 0.72 and precision 0.9)]. The same nucleotide change resulting in the same amino acid change has been previously reported as pathogenic/likely pathogenic with strong evidence (ClinVar ID: VCV000426783). The variant has been observed in multiple (>3) similarly affected unrelated individuals (PMID: 21932011, 23656970, 9382096). A different missense change at the same codon (p.Gly216Val) has been reported to be associated with TAFAZZIN related disorder (ClinVar ID: VCV000177990). Therefore, this variant is classified as Pathogenic according to the recommendation of ACMG/AMP guideline.

Labcorp Genetics (formerly Invitae), Labcorp
Classification: Pathogenic for 3-Methylglutaconic aciduria type 2. Last evaluated: 2024-02-24. Review status: criteria provided, single submitter. Criteria: Invitae Variant Classification Sherloc (09022015). Collection method: clinical testing. Allele origin: germline.
Comment: This sequence change replaces glycine, which is neutral and non-polar, with arginine, which is basic and polar, at codon 216 of the TAZ protein (p.Gly216Arg). This variant also falls at the last nucleotide of exon 8, which is part of the consensus splice site for this exon. This variant is not present in population databases (gnomAD no frequency). This missense change has been observed in individual(s) with Barth syndrome (PMID: 9382096, 21932011, 23361305, 23656970, 24887148). ClinVar contains an entry for this variant (Variation ID: 426783). An algorithm developed to predict the effect of missense changes on protein structure and function (PolyPhen-2) suggests that this variant is likely to be disruptive. Experimental studies have shown that this missense change affects TAZ function (PMID: 16880272). Variants that disrupt the consensus splice site are a relatively common cause of aberrant splicing (PMID: 17576681, 9536098). Algorithms developed to predict the effect of sequence changes on RNA splicing suggest that this variant may disrupt the consensus splice site. For these reasons, this variant has been classified as Pathogenic.

Molecular Diagnostics Lab, Nemours Children's Health, Delaware
Classification: Likely pathogenic for 3-Methylglutaconic aciduria type 2. Last evaluated: 2020-07-20. Review status: criteria provided, single submitter. Criteria: ACMG Guidelines, 2015. Collection method: clinical testing. Allele origin: maternal, unknown. Inheritance: X-linked inheritance. Affected: yes and no. Observed: 3 heterozygotes, 2 hemizygotes.

Clinical Genetics DNA and cytogenetics Diagnostics Lab, Erasmus MC, Erasmus Medical Center
Classification: Pathogenic. Review status: no assertion criteria provided. Collection method: clinical testing. Allele origin: germline. Affected: yes. Study: VKGL Data-share Consensus. Not counted in ClinVar's aggregate classification.

Joint Genome Diagnostic Labs from Nijmegen and Maastricht, Radboudumc and MUMC+
Classification: Pathogenic. Review status: no assertion criteria provided. Collection method: clinical testing. Allele origin: germline. Affected: yes. Study: VKGL Data-share Consensus. Not counted in ClinVar's aggregate classification.

Literature cited by the submitters: PubMed 21932011 (cited by 3billion and Labcorp Genetics (formerly Invitae), Labcorp); PubMed 9382096 (cited by 3billion and Labcorp Genetics (formerly Invitae), Labcorp); PubMed 23656970 (cited by 3 submitters); PubMed 23361305 (cited by Labcorp Genetics (formerly Invitae), Labcorp and Molecular Diagnostics Lab, Nemours Children's Health, Delaware); PubMed 24887148 (cited by Labcorp Genetics (formerly Invitae), Labcorp and Molecular Diagnostics Lab, Nemours Children's Health, Delaware); PubMed 16880272 (cited by Labcorp Genetics (formerly Invitae), Labcorp and Molecular Diagnostics Lab, Nemours Children's Health, Delaware); PubMed 17576681 (cited by Labcorp Genetics (formerly Invitae), Labcorp); PubMed 9536098 (cited by Labcorp Genetics (formerly Invitae), Labcorp); PubMed 30122738 (cited by Molecular Diagnostics Lab, Nemours Children's Health, Delaware).